The following is an entry in ClinVar:

ClinVar aggregate classification (germline): Pathogenic/Likely pathogenic. Review status: criteria provided, multiple submitters, no conflicts (2 of 4 stars). 2 submissions from 2 submitters: Pathogenic (1); Likely pathogenic (1). Last evaluated 2024-09-30.

Conditions:
Usher syndrome type 1F (USH1F). Also called: USHER SYNDROME, TYPE IF. Identifiers: Orphanet 231169, Orphanet 886, MedGen C1865885, MONDO:0011186, OMIM 602083.

Submissions (2):

Natera, Inc.
Classification: Likely pathogenic for Usher syndrome type 1F. Last evaluated: 2024-09-30. Review status: criteria provided, single submitter. Criteria: Natera Variant Classification Schema (03/2026). Collection method: clinical testing. Allele origin: germline.
Comment: The c.1831C>T variant in PCDH15 is a nonsense variant predicted to introduce a stop codon at amino acid 611. This variant is expected to result in nonsense mediated decay, truncation, or a dysfunctional protein product. This variant is rare in the general population with a frequency below the threshold expected for the associated phenotype(s). Given the available evidence, this variant is classified as Likely Pathogenic.

Labcorp Genetics (formerly Invitae), Labcorp
Classification: Pathogenic. Last evaluated: 2021-11-03. Review status: criteria provided, single submitter. Criteria: Invitae Variant Classification Sherloc (09022015). Collection method: clinical testing. Allele origin: germline.
Comment: For these reasons, this variant has been classified as Pathogenic. This variant has not been reported in the literature in individuals affected with PCDH15-related conditions. This variant is not present in population databases (gnomAD no frequency). This sequence change creates a premature translational stop signal (p.Gln611*) in the PCDH15 gene. It is expected to result in an absent or disrupted protein product. Loss-of-function variants in PCDH15 are known to be pathogenic (PMID: 11398101, 11487575, 14570705).

Literature cited by the submitters: PubMed 11398101 (cited by Labcorp Genetics (formerly Invitae), Labcorp); PubMed 11487575 (cited by Labcorp Genetics (formerly Invitae), Labcorp); PubMed 14570705 (cited by Labcorp Genetics (formerly Invitae), Labcorp).

NM_001384140.1(PCDH15):c.1831C>T (p.Gln611Ter)

Gene: PCDH15 (protocadherin related 15; minus strand). Cytogenetic location: 10q21.1.
Variant type: single nucleotide variant.
Coding change: c.1831C>T on transcript NM_001384140.1 (MANE Select); coding-DNA position 1831, C replaced by T.
Protein change: p.Gln611Ter; replaces glutamine 611 with a stop codon.
Molecular consequence: nonsense. On other transcripts: intron variant (1).
Genome position (GRCh38, 1-based): chr10:54,132,961, G>A on the plus strand (C>T on the coding strand, the complement: PCDH15 is on the minus strand). VCF-style: chr10-54132961-G-A. GRCh37 (hg19) VCF-style: chr10-55892721-G-A.
Other names: c.1846C>T, p.Gln616Ter (NM_001142763.2, NM_001142771.2); c.1831C>T, p.Gln611Ter (NM_001142764.2, NM_001142766.2, NM_001142770.3 and 5 more transcripts); c.1720C>T, p.Gln574Ter (NM_001142767.2); c.1765C>T, p.Gln589Ter (NM_001142768.2, NM_001142773.2, NM_001354404.2); c.1867C>T, p.Gln623Ter (NM_001142769.4); c.1852C>T, p.Gln618Ter (NM_001354411.2); c.1784+20139C>T (NM_001142765.2); short protein forms Q574*, Q618*, Q623*, Q589*, Q616*, Q611*.
Identifiers: ClinVar variation 1405236 (VCV001405236.7), dbSNP rs1350235037, ClinGen allele CA376515150.